The following is an entry in ClinVar:

ClinVar aggregate classification (germline): Likely benign. Review status: criteria provided, multiple submitters, no conflicts (2 of 4 stars). 3 submissions from 3 submitters: Likely benign (3). Last evaluated 2023-06-08.

Conditions:
Familial thoracic aortic aneurysm and aortic dissection (TAAD). Also called: Thoracic aortic aneurysms and dissections. Identifiers: Orphanet 91387, MedGen C4707243, MONDO:0019625.
Ehlers-Danlos syndrome, type 4 (EDSVASC). Also called: Ehlers-Danlos syndrome vascular type; Ehlers Danlos syndrome, ecchymotic type; Ehlers Danlos syndrome, arterial type; Ehlers Danlos syndrome, Sack-Barabas type; Ehlers-Danlos Syndrome Type IV. Identifiers: Orphanet 286, MedGen C0268338, MONDO:0017314, OMIM 130050.

Allele frequency attached by ClinVar (database versions not stated): TOPMed 0.00002.
gnomAD v4.1: 7 of 1,610,414 alleles (0.00043%); highest among the groups gnomAD compares: East Asian, 0.0022%; no homozygotes.

Submissions (3):

All of Us Research Program, National Institutes of Health
Classification: Likely benign for Ehlers-Danlos syndrome, type 4. Last evaluated: 2023-06-08. Review status: criteria provided, single submitter. Criteria: ACMG Guidelines, 2015. Collection method: clinical testing. Allele origin: germline. Inheritance: Autosomal dominant inheritance. Observed: 1 variant allele, 1 heterozygote.
Comment: This study involves interpretation of variants in research participants for the purpose of population health screening. Participant phenotype was not available at the time of variant classification. Additional details can be found in publication PMID: 35346344, PMCID: PMC8962531

Color Diagnostics, LLC DBA Color Health
Classification: Likely benign for Familial thoracic aortic aneurysm and aortic dissection. Last evaluated: 2018-11-09. Review status: criteria provided, single submitter. Criteria: ACMG Guidelines, 2015. Collection method: clinical testing. Allele origin: germline.

Labcorp Genetics (formerly Invitae), Labcorp
Classification: Likely benign for Ehlers-Danlos syndrome, type 4. Last evaluated: 2017-06-12. Review status: criteria provided, single submitter. Criteria: Invitae Variant Classification Sherloc (09022015). Collection method: clinical testing. Allele origin: germline.

NM_000090.4(COL3A1):c.873C>A (p.Gly291=)

Gene: COL3A1 (collagen type III alpha 1 chain; plus strand). Cytogenetic location: 2q32.2.
Variant type: single nucleotide variant.
Coding change: c.873C>A on transcript NM_000090.4 (MANE Select); coding-DNA position 873, C replaced by A.
Protein change: p.Gly291=; no amino-acid change (glycine 291 retained).
Molecular consequence: synonymous variant.
Genome position (GRCh38, 1-based): chr2:188,991,507, C>A. VCF-style: chr2-188991507-C-A. GRCh37 (hg19) VCF-style: chr2-189856233-C-A.
Identifiers: ClinVar variation 459797 (VCV000459797.12), dbSNP rs138569287, ClinGen allele CA430309170.
Genomic context (GRCh38, chr2:188,991,507, plus strand): 5'-CCTCTTTTGTAAAATAGTAACATATTTTATATGTATCTAGGGTGAAAATGGTCTTCCAGG[C>A]GAAAATGGAGCTCCTGGACCCATGGTAATTATGTTTCTTATGTATAATTTTCAGTTTTAT-3'
Protein context (NP_000081.2, residues 281-301): PGLKGENGLP[Gly291=]ENGAPGPMGP